The following is an entry in ClinVar:

NM_182972.3(IRF2BP2):c.546C>G (p.His182Gln)

Gene: IRF2BP2 (interferon regulatory factor 2 binding protein 2; minus strand). Cytogenetic location: 1q42.3.
Variant type: single nucleotide variant.
Coding change: c.546C>G on transcript NM_182972.3 (MANE Select); coding-DNA position 546, C replaced by G.
Protein change: p.His182Gln; replaces histidine 182 with glutamine.
Molecular consequence: missense variant.
Genome position (GRCh38, 1-based): chr1:234,608,949, G>C on the plus strand (C>G on the coding strand, the complement: IRF2BP2 is on the minus strand). VCF-style: chr1-234608949-G-C. GRCh37 (hg19) VCF-style: chr1-234744695-G-C.
Other names: c.546C>G, p.His182Gln (NM_001077397.1); c.546C>G (NM_182972.2); short protein forms H182Q.
Identifiers: ClinVar variation 2958398 (VCV002958398.4), dbSNP rs773934614, ClinGen allele CA1461821.

ClinVar aggregate classification (germline): Uncertain significance. Review status: criteria provided, multiple submitters, no conflicts (2 of 4 stars). 2 submissions from 2 submitters: Uncertain significance (2). Last evaluated 2024-02-08.

Allele frequency attached by ClinVar (database versions not stated): ExAC 0.00005.
gnomAD v4.1: 4 of 1,360,850 alleles (0.00029%); highest among the groups gnomAD compares: South Asian, 0.002%; no homozygotes.

Submissions (2):

Labcorp Genetics (formerly Invitae), Labcorp
Classification: Uncertain significance. Last evaluated: 2024-02-08. Review status: criteria provided, single submitter. Criteria: Invitae Variant Classification Sherloc (09022015). Collection method: clinical testing. Allele origin: germline.
Comment: This sequence change replaces histidine, which is basic and polar, with glutamine, which is neutral and polar, at codon 182 of the IRF2BP2 protein (p.His182Gln). The frequency data for this variant in the population databases is considered unreliable, as metrics indicate poor data quality at this position in the gnomAD database. This variant has not been reported in the literature in individuals affected with IRF2BP2-related conditions. An algorithm developed to predict the effect of missense changes on protein structure and function (PolyPhen-2) suggests that this variant is likely to be disruptive. In summary, the available evidence is currently insufficient to determine the role of this variant in disease. Therefore, it has been classified as a Variant of Uncertain Significance.

Ambry Genetics
Classification: Uncertain significance. Last evaluated: 2023-11-27. Review status: criteria provided, single submitter. Criteria: Ambry Variant Classification Scheme 2023. Collection method: clinical testing. Allele origin: germline.